The following is an entry in ClinVar:

NM_020433.5(JPH2):c.1141C>T (p.Arg381Cys)

Gene: JPH2 (junctophilin 2; minus strand). Cytogenetic location: 20q13.12.
Variant type: single nucleotide variant.
Coding change: c.1141C>T on transcript NM_020433.5 (MANE Select); coding-DNA position 1141, C replaced by T.
Protein change: p.Arg381Cys; replaces arginine 381 with cysteine.
Molecular consequence: missense variant.
Genome position (GRCh38, 1-based): chr20:44,159,646, G>A on the plus strand (C>T on the coding strand, the complement: JPH2 is on the minus strand). VCF-style: chr20-44159646-G-A. GRCh37 (hg19) VCF-style: chr20-42788286-G-A.
Other names: short protein forms R381C.
Identifiers: ClinVar variation 978737 (VCV000978737.13), dbSNP rs768172413, ClinGen allele CA9868738.

ClinVar aggregate classification (germline): Uncertain significance. Review status: criteria provided, multiple submitters, no conflicts (2 of 4 stars). 4 submissions from 4 submitters: Uncertain significance (4). Last evaluated 2025-02-23.

Conditions:
Cardiovascular phenotype. Identifiers: MedGen CN230736.
Hypertrophic cardiomyopathy. Also called: HYPERTROPHIC MYOCARDIOPATHY. Identifiers: Orphanet 217569, MedGen C0007194, MeSH D002312, MONDO:0005045, HP:0001639.

Allele frequency attached by ClinVar (database versions not stated): TOPMed below 0.00001; ExAC 0.00001; gnomAD 0.00001; gnomAD exomes 0.00001.
gnomAD v4.1: 5 of 1,606,680 alleles (0.00031%); highest among the groups gnomAD compares: African/African-American, 0.0013%; no homozygotes.

Submissions (4):

Ambry Genetics
Classification: Uncertain significance for Cardiovascular phenotype. Last evaluated: 2025-02-23. Review status: criteria provided, single submitter. Criteria: Ambry Variant Classification Scheme 2023. Collection method: clinical testing. Allele origin: germline.
Comment: The p.R381C variant (also known as c.1141C>T), located in coding exon 2 of the JPH2 gene, results from a C to T substitution at nucleotide position 1141. The arginine at codon 381 is replaced by cysteine, an amino acid with highly dissimilar properties. This amino acid position is conserved. In addition, this alteration is predicted to be tolerated by in silico analysis. Based on the available evidence, the clinical significance of this variant remains unclear.

GeneDx
Classification: Uncertain significance. Last evaluated: 2023-07-25. Review status: criteria provided, single submitter. Criteria: GeneDx Variant Classification Process June 2021. Collection method: clinical testing. Allele origin: germline. Affected: yes.
Comment: Has not been previously published as pathogenic or benign to our knowledge; Not observed at significant frequency in large population cohorts (gnomAD); In silico analysis supports that this missense variant has a deleterious effect on protein structure/function

Labcorp Genetics (formerly Invitae), Labcorp
Classification: Uncertain significance for Hypertrophic cardiomyopathy. Last evaluated: 2020-05-12. Review status: criteria provided, single submitter. Criteria: Invitae Variant Classification Sherloc (09022015). Collection method: clinical testing. Allele origin: germline.
Comment: In summary, the available evidence is currently insufficient to determine the role of this variant in disease. Therefore, it has been classified as a Variant of Uncertain Significance. Algorithms developed to predict the effect of missense changes on protein structure and function are either unavailable or do not agree on the potential impact of this missense change (SIFT: "Deleterious"; PolyPhen-2: "Probably Damaging"; Align-GVGD: "Class C15"). This variant has not been reported in the literature in individuals with JPH2-related conditions. The frequency data for this variant in the population databases is considered unreliable, as metrics indicate poor data quality at this position in the ExAC database. This sequence change replaces arginine with cysteine at codon 381 of the JPH2 protein (p.Arg381Cys). The arginine residue is moderately conserved and there is a large physicochemical difference between arginine and cysteine.

Genetics and Genomics Program, Sidra Medicine
Classification: Uncertain significance for Hypertrophic cardiomyopathy. Review status: criteria provided, single submitter. Criteria: ACMG Guidelines, 2015. Collection method: research. Allele origin: unknown. Affected: yes. Observed: 1 variant allele.